The following is an entry in ClinVar:

ClinVar aggregate classification (germline): Uncertain significance (1 of 4 stars; one submission).

Conditions:
Charcot-Marie-Tooth disease type 4. Also called: Charcot-Marie-Tooth disease, type IV; Charcot-Marie-Tooth, Type 4. Identifiers: Orphanet 64749, MedGen C4082197, MONDO:0018995.

Allele frequency attached by ClinVar (database versions not stated): gnomAD exomes below 0.00001.

Submission:

Labcorp Genetics (formerly Invitae), Labcorp
Classification: Uncertain significance for Charcot-Marie-Tooth disease type 4. Last evaluated: 2021-11-08. Review status: criteria provided, single submitter. Criteria: Invitae Variant Classification Sherloc (09022015). Collection method: clinical testing. Allele origin: germline.
Comment: In summary, the available evidence is currently insufficient to determine the role of this variant in disease. Therefore, it has been classified as a Variant of Uncertain Significance. This sequence change replaces serine, which is neutral and polar, with asparagine, which is neutral and polar, at codon 324 of the MTMR2 protein (p.Ser324Asn). This variant is not present in population databases (gnomAD no frequency). This variant has not been reported in the literature in individuals affected with MTMR2-related conditions. Advanced modeling of protein sequence and biophysical properties (such as structural, functional, and spatial information, amino acid conservation, physicochemical variation, residue mobility, and thermodynamic stability) performed at Invitae indicates that this missense variant is not expected to disrupt MTMR2 protein function.

NM_016156.6(MTMR2):c.971G>A (p.Ser324Asn)

Gene: MTMR2 (myotubularin related protein 2; minus strand). Cytogenetic location: 11q21.
Variant type: single nucleotide variant.
Coding change: c.971G>A on transcript NM_016156.6 (MANE Select); coding-DNA position 971, G replaced by A.
Protein change: p.Ser324Asn; replaces serine 324 with asparagine.
Molecular consequence: missense variant.
Genome position (GRCh38, 1-based): chr11:95,849,696, C>T on the plus strand (G>A on the coding strand, the complement: MTMR2 is on the minus strand). VCF-style: chr11-95849696-C-T. GRCh37 (hg19) VCF-style: chr11-95582860-C-T.
Other names: c.755G>A, p.Ser252Asn (NM_001243571.2, NM_201278.3, NM_201281.3); short protein forms S252N, S324N.
Identifiers: ClinVar variation 1439606 (VCV001439606.6), dbSNP rs2135439231, ClinGen allele CA382425232.
Genomic context (GRCh38, chr11:95,849,696, plus strand): 5'-ATGAAACCATAATTATAATTACTAAGAGACCATCTGACCTTGTTGGCAACAGCATTAACA[C>T]TTGGCCGGGCATCAAATATAAAGATTTTGTGAGACTGGGCATTGGAATCCATGATAGCTT-3'
Protein context (NP_057240.3, residues 314-334): HKIFIFDARP[Ser324Asn]VNAVANKAKG